The following is an entry in ClinVar:

ClinVar aggregate classification (germline): Benign/Likely benign. Review status: criteria provided, multiple submitters, no conflicts (2 of 4 stars). 8 submissions from 5 submitters: Benign (5); Likely benign (3). Last evaluated 2025-10-01.

Conditions:
Malignant hyperthermia, susceptibility to, 5 (MHS5). Also called: CACNA1S-Related Malignant Hyperthermia Susceptibility. Identifiers: Orphanet 423, MedGen C1866077, MONDO:0011163, OMIM 601887.
Hypokalemic periodic paralysis, type 1. Also called: HypoPP; Hypokalemic Periodic Paralysis Type 1 (AD). Identifiers: Orphanet 681, MedGen C3714580, MONDO:0042979, OMIM 170400.
Congenital myopathy 18. Also called: DIHYDROPYRIDINE RECEPTOR CONGENITAL MYOPATHY; DHPR CONGENITAL MYOPATHY; Myopathy, congenital, due to dihydropyridine receptor defect. Identifiers: MedGen C5830283, MONDO:0859514, OMIM 620246.
Thyrotoxic periodic paralysis, susceptibility to, 1 (TTPP1). Identifiers: Orphanet 79102, MedGen C2749982, MONDO:0008570, OMIM 188580.

Allele frequency attached by ClinVar (database versions not stated): gnomAD exomes 0.00006 and 0.00014; ExAC 0.00016; ESP Exome Variant Server 0.00031; gnomAD 0.00052 and 0.00053; 1000 Genomes Project 0.00060; TOPMed 0.00064; 1000 Genomes Project 30x 0.00078.
gnomAD v4.1: 164 of 1,614,106 alleles (0.01%); highest among the groups gnomAD compares: African/African-American, 0.2%; no homozygotes.

Submissions (8):

Labcorp Genetics (formerly Invitae), Labcorp
Classification: Benign for Hypokalemic periodic paralysis, type 1; Malignant hyperthermia, susceptibility to, 5. Last evaluated: 2025-10-01. Review status: criteria provided, single submitter. Criteria: Invitae Variant Classification Sherloc (09022015). Collection method: clinical testing. Allele origin: germline.

All of Us Research Program, National Institutes of Health
Classification: Likely benign for Malignant hyperthermia, susceptibility to, 5. Last evaluated: 2024-02-05. Review status: criteria provided, single submitter. Criteria: ACMG Guidelines, 2015. Collection method: clinical testing. Allele origin: germline. Inheritance: Autosomal dominant inheritance. Observed: 39 variant alleles, 39 heterozygotes.
Comment: This study involves interpretation of variants in research participants for the purpose of population health screening. Participant phenotype was not available at the time of variant classification. Additional details can be found in publication PMID: 35346344, PMCID: PMC8962531

Genome-Nilou Lab
Classification: Benign for Malignant hyperthermia, susceptibility to, 5. Last evaluated: 2023-04-11. Review status: criteria provided, single submitter. Criteria: ACMG Guidelines, 2015. Collection method: clinical testing. Allele origin: germline. Affected: no.

Genome-Nilou Lab
Classification: Benign for Thyrotoxic periodic paralysis, susceptibility to, 1. Last evaluated: 2023-04-11. Review status: criteria provided, single submitter. Criteria: ACMG Guidelines, 2015. Collection method: clinical testing. Allele origin: germline. Affected: no.

Genome-Nilou Lab
Classification: Benign for Congenital myopathy 18. Last evaluated: 2023-04-11. Review status: criteria provided, single submitter. Criteria: ACMG Guidelines, 2015. Collection method: clinical testing. Allele origin: germline. Affected: no.

Genome-Nilou Lab
Classification: Benign for Hypokalemic periodic paralysis, type 1. Last evaluated: 2023-04-11. Review status: criteria provided, single submitter. Criteria: ACMG Guidelines, 2015. Collection method: clinical testing. Allele origin: germline. Affected: no.

Color Diagnostics, LLC DBA Color Health
Classification: Likely benign for Malignant hyperthermia, susceptibility to, 5. Last evaluated: 2022-10-20. Review status: criteria provided, single submitter. Criteria: ACMG Guidelines, 2015. Collection method: clinical testing. Allele origin: germline.

PreventionGenetics, part of Exact Sciences
Classification: Likely benign. Review status: criteria provided, single submitter. Criteria: ACMG Guidelines, 2015. Collection method: clinical testing. Allele origin: germline.

NM_000069.3(CACNA1S):c.1506C>T (p.Phe502=)

Gene: CACNA1S (calcium voltage-gated channel subunit alpha1 S; minus strand). Cytogenetic location: 1q32.1.
Variant type: single nucleotide variant.
Coding change: c.1506C>T on transcript NM_000069.3 (MANE Select); coding-DNA position 1506, C replaced by T.
Protein change: p.Phe502=; no amino-acid change (phenylalanine 502 retained).
Molecular consequence: synonymous variant.
Genome position (GRCh38, 1-based): chr1:201,077,992, G>A on the plus strand (C>T on the coding strand, the complement: CACNA1S is on the minus strand). VCF-style: chr1-201077992-G-A. GRCh37 (hg19) VCF-style: chr1-201047120-G-A.
Identifiers: ClinVar variation 254796 (VCV000254796.14), dbSNP rs141808465, ClinGen allele CA078277.